The following is an entry in ClinVar:

NM_022124.6(CDH23):c.4426A>G (p.Ile1476Val)

Gene: CDH23 (cadherin related 23; plus strand). Cytogenetic location: 10q22.1.
Variant type: single nucleotide variant.
Coding change: c.4426A>G on transcript NM_022124.6 (MANE Select); coding-DNA position 4426, A replaced by G.
Protein change: p.Ile1476Val; replaces isoleucine 1476 with valine.
Molecular consequence: missense variant.
Genome position (GRCh38, 1-based): chr10:71,739,710, A>G. VCF-style: chr10-71739710-A-G. GRCh37 (hg19) VCF-style: chr10-73499467-A-G.
Other names: short protein forms I1476V.
Identifiers: ClinVar variation 1904679 (VCV001904679.2), dbSNP rs2494214306, ClinGen allele CA377160130.

ClinVar aggregate classification (germline): Uncertain significance (1 of 4 stars; one submission).

Submission:

Labcorp Genetics (formerly Invitae), Labcorp
Classification: Uncertain significance. Last evaluated: 2021-08-28. Review status: criteria provided, single submitter. Criteria: Invitae Variant Classification Sherloc (09022015). Collection method: clinical testing. Allele origin: germline.
Comment: This sequence change replaces isoleucine with valine at codon 1476 of the CDH23 protein (p.Ile1476Val). The isoleucine residue is moderately conserved and there is a small physicochemical difference between isoleucine and valine. This variant is not present in population databases (ExAC no frequency). This variant has not been reported in the literature in individuals affected with CDH23-related conditions. Algorithms developed to predict the effect of missense changes on protein structure and function output the following: SIFT: "Tolerated"; PolyPhen-2: "Not Available"; Align-GVGD: "Class C0". The valine amino acid residue is found in multiple mammalian species, which suggests that this missense change does not adversely affect protein function. In summary, the available evidence is currently insufficient to determine the role of this variant in disease. Therefore, it has been classified as a Variant of Uncertain Significance.